The following is an entry in ClinVar:

ClinVar aggregate classification (germline): Benign. Review status: criteria provided, multiple submitters, no conflicts (2 of 4 stars). 3 submissions from 3 submitters: Benign (3). Last evaluated 2026-02-04.

Allele frequency attached by ClinVar (database versions not stated): 1000 Genomes Project 30x 0.00687; 1000 Genomes Project 0.00739; TOPMed 0.01598; gnomAD 0.02046 and 0.02129; ESP Exome Variant Server 0.02065; gnomAD exomes 0.02342; ExAC 0.02514.

Submissions (3):

Labcorp Genetics (formerly Invitae), Labcorp
Classification: Benign. Last evaluated: 2026-02-04. Review status: criteria provided, single submitter. Criteria: Invitae Variant Classification Sherloc (09022015). Collection method: clinical testing. Allele origin: germline.

GeneDx
Classification: Benign. Last evaluated: 2016-10-05. Review status: criteria provided, single submitter. Criteria: GeneDx Variant Classification (06012015). Collection method: clinical testing. Allele origin: germline. Affected: yes.
Comment: This variant is considered likely benign or benign based on one or more of the following criteria: it is a conservative change, it occurs at a poorly conserved position in the protein, it is predicted to be benign by multiple in silico algorithms, and/or has population frequency not consistent with disease.

Breakthrough Genomics
Classification: Benign. Review status: criteria provided, single submitter. Criteria: ACMG Guidelines, 2015. Collection method: not provided. Allele origin: germline. Inheritance: Autosomal recessive inheritance. Affected: yes.

NM_018993.4(RIN2):c.1044G>C (p.Leu348=)

Gene: RIN2 (Ras and Rab interactor 2; plus strand). Cytogenetic location: 20p11.23.
Variant type: single nucleotide variant.
Coding change: c.1044G>C on transcript NM_018993.4 (MANE Select); coding-DNA position 1044, G replaced by C.
Protein change: p.Leu348=; no amino-acid change (leucine 348 retained).
Molecular consequence: synonymous variant.
Genome position (GRCh38, 1-based): chr20:19,975,069, G>C. VCF-style: chr20-19975069-G-C. GRCh37 (hg19) VCF-style: chr20-19955713-G-C.
Other names: c.1191G>C, p.Leu397= (NM_001242581.2); c.426G>C, p.Leu142= (NM_001378238.1).
Identifiers: ClinVar variation 387346 (VCV000387346.10), dbSNP rs149398614, ClinGen allele CA9780001.
Genomic context (GRCh38, chr20:19,975,069, plus strand): 5'-TGAAACCCAGACGAGCATGCCAGAAACAGTCAACCATAACAAACATGGGAACGTAGCTCT[G>C]CCTGGAACGAAACCAACTCCCATCCCTCCACCCCGGCTGAAGAAGCAGGCTTCTTTTCTG-3'
Protein context (NP_061866.1, residues 338-358): VNHNKHGNVA[Leu348=]PGTKPTPIPP